The following is an entry in ClinVar:

NM_001129.5(AEBP1):c.1357C>T (p.Arg453Trp)

Gene: AEBP1 (AE binding protein 1; plus strand). Cytogenetic location: 7p13.
Variant type: single nucleotide variant.
Coding change: c.1357C>T on transcript NM_001129.5 (MANE Select); coding-DNA position 1357, C replaced by T.
Protein change: p.Arg453Trp; replaces arginine 453 with tryptophan.
Molecular consequence: missense variant.
Genome position (GRCh38, 1-based): chr7:44,110,303, C>T. VCF-style: chr7-44110303-C-T. GRCh37 (hg19) VCF-style: chr7-44149902-C-T.
Other names: short protein forms R453W.
Identifiers: ClinVar variation 2168367 (VCV002168367.3), dbSNP rs1322486574, ClinGen allele CA367362608.

ClinVar aggregate classification (germline): Uncertain significance (1 of 4 stars; one submission).

Allele frequency attached by ClinVar (database versions not stated): gnomAD exomes 0.00001; gnomAD 0.00002; TOPMed 0.00002.
gnomAD v4.1: 11 of 1,613,574 alleles (0.00068%); highest among the groups gnomAD compares: East Asian, 0.0045%; no homozygotes.

Submission:

Labcorp Genetics (formerly Invitae), Labcorp
Classification: Uncertain significance. Last evaluated: 2022-11-15. Review status: criteria provided, single submitter. Criteria: Invitae Variant Classification Sherloc (09022015). Collection method: clinical testing. Allele origin: germline.
Comment: This sequence change replaces arginine, which is basic and polar, with tryptophan, which is neutral and slightly polar, at codon 453 of the AEBP1 protein (p.Arg453Trp). This variant is present in population databases (no rsID available, gnomAD 0.003%). This variant has not been reported in the literature in individuals affected with AEBP1-related conditions. Algorithms developed to predict the effect of missense changes on protein structure and function are either unavailable or do not agree on the potential impact of this missense change (SIFT: "Deleterious"; PolyPhen-2: "Probably Damaging"; Align-GVGD: "Class C0"). In summary, the available evidence is currently insufficient to determine the role of this variant in disease. Therefore, it has been classified as a Variant of Uncertain Significance.